The following is an entry in ClinVar:

ClinVar aggregate classification (germline): Uncertain significance (1 of 4 stars; one submission).

Conditions:
Long QT syndrome (LQTS). Identifiers: MedGen C0023976, MeSH D008133, MONDO:0002442. Disease mechanism: loss of function. Inheritance: Various modes of inheritance.

Submission:

Labcorp Genetics (formerly Invitae), Labcorp
Classification: Uncertain significance for Long QT syndrome. Last evaluated: 2016-04-07. Review status: criteria provided, single submitter. Criteria: Invitae Variant Classification Sherloc (09022015). Collection method: clinical testing. Allele origin: germline.
Comment: In summary, this variant is a novel missense change with uncertain impact on protein function. It has been classified as a Variant of Uncertain Significance. Algorithms developed to predict the effect of missense changes on protein structure and function do not agree on the potential impact of this missense change (SIFT: "Deleterious"; PolyPhen-2: "Probably Damaging"; Align-GVGD: "Class C0"). This variant is not present in population databases (ExAC no frequency) and has not been reported in the literature in individuals with a CACNA1C-related disease. This sequence change replaces aspartic acid with glycine at codon 446 of the CACNA1C protein (p.Asp446Gly). The aspartic acid residue is highly conserved and there is a moderate physicochemical difference between aspartic acid and glycine.

NM_000719.7(CACNA1C):c.1337A>G (p.Asp446Gly)

Gene: CACNA1C (calcium voltage-gated channel subunit alpha1 C; plus strand). Cytogenetic location: 12p13.33.
Variant type: single nucleotide variant.
Coding change: c.1337A>G on transcript NM_000719.7 (MANE Select); coding-DNA position 1337, A replaced by G.
Protein change: p.Asp446Gly; replaces aspartic acid 446 with glycine.
Molecular consequence: missense variant.
Genome position (GRCh38, 1-based): chr12:2,512,931, A>G. VCF-style: chr12-2512931-A-G. GRCh37 (hg19) VCF-style: chr12-2622097-A-G.
Other names: c.1337A>G, p.Asp446Gly (NM_001129827.2, NM_001129829.2, NM_001129830.3 and 18 more transcripts); c.1328A>G, p.Asp443Gly (NM_001129844.2); short protein forms D446G, D443G.
Identifiers: ClinVar variation 411736 (VCV000411736.7), dbSNP rs1060503452, ClinGen allele CA16613960.